The following is an entry in ClinVar:

ClinVar aggregate classification (germline): Uncertain significance (1 of 4 stars; one submission).

Submission:

GeneDx
Classification: Uncertain significance. Last evaluated: 2023-08-09. Review status: criteria provided, single submitter. Criteria: GeneDx Variant Classification Process June 2021. Collection method: clinical testing. Allele origin: germline. Affected: yes.
Comment: Not observed at significant frequency in large population cohorts (gnomAD); In silico analysis supports that this missense variant has a deleterious effect on protein structure/function; Has not been previously published as pathogenic or benign to our knowledge

NM_000092.5(COL4A4):c.4498G>A (p.Glu1500Lys)

Gene: COL4A4 (collagen type IV alpha 4 chain; minus strand). Cytogenetic location: 2q36.3.
Variant type: single nucleotide variant.
Coding change: c.4498G>A on transcript NM_000092.5 (MANE Select); coding-DNA position 4498, G replaced by A.
Protein change: p.Glu1500Lys; replaces glutamic acid 1500 with lysine.
Molecular consequence: missense variant.
Genome position (GRCh38, 1-based): chr2:227,010,337, C>T on the plus strand (G>A on the coding strand, the complement: COL4A4 is on the minus strand). VCF-style: chr2-227010337-C-T. GRCh37 (hg19) VCF-style: chr2-227875053-C-T.
Other names: short protein forms E1500K.
Identifiers: ClinVar variation 2572946 (VCV002572946.3), dbSNP rs2472674705, ClinGen allele CA350836019.